The following is an entry in ClinVar:

ClinVar aggregate classification (germline): Uncertain significance. Review status: criteria provided, multiple submitters, no conflicts (2 of 4 stars). 2 submissions from 2 submitters: Uncertain significance (2). Last evaluated 2025-08-25.

Conditions:
SLC27A5-related disorder. Also called: SLC27A5-related condition.

Submissions (2):

Mayo Clinic Laboratories, Mayo Clinic
Classification: Uncertain significance. Last evaluated: 2025-08-25. Review status: criteria provided, single submitter. Criteria: ACMG Guidelines, 2015. Collection method: clinical testing. Allele origin: germline. Observed: 2 variant alleles.
Comment: PM2_supporting

PreventionGenetics, part of Exact Sciences
Classification: Uncertain significance for SLC27A5-related condition. Last evaluated: 2025-07-20. Review status: criteria provided, single submitter. Criteria: ACMG Guidelines, 2015. Collection method: clinical testing. Allele origin: germline.
Comment: The SLC27A5 c.1375C>T variant is predicted to result in premature protein termination (p.Arg459*). To our knowledge, this variant has not been reported in the literature. This variant is reported in 0.10% of alleles in individuals of European (Finnish) descent in gnomAD. At this time, the clinical significance of this variant is uncertain due to the absence of conclusive functional and genetic evidence.

NM_012254.3(SLC27A5):c.1375C>T (p.Arg459Ter)

Gene: SLC27A5 (solute carrier family 27 member 5; minus strand). Cytogenetic location: 19q13.43.
Variant type: single nucleotide variant.
Coding change: c.1375C>T on transcript NM_012254.3 (MANE Select); coding-DNA position 1375, C replaced by T.
Protein change: p.Arg459Ter; replaces arginine 459 with a stop codon.
Molecular consequence: nonsense.
Genome position (GRCh38, 1-based): chr19:58,500,514, G>A on the plus strand (C>T on the coding strand, the complement: SLC27A5 is on the minus strand). VCF-style: chr19-58500514-G-A. GRCh37 (hg19) VCF-style: chr19-59011881-G-A.
Other names: p.Arg459*; c.1123C>T, p.Arg375Ter (NM_001321196.2); short protein forms R375*, R459*.
Identifiers: ClinVar variation 3352299 (VCV003352299.3).